The following is an entry in ClinVar:

NM_005751.5(AKAP9):c.4064A>C (p.Lys1355Thr)

Gene: AKAP9 (A-kinase anchoring protein 9; plus strand). Cytogenetic location: 7q21.2.
Variant type: single nucleotide variant.
Coding change: c.4064A>C on transcript NM_005751.5 (MANE Select); coding-DNA position 4064, A replaced by C.
Protein change: p.Lys1355Thr; replaces lysine 1355 with threonine.
Molecular consequence: missense variant.
Genome position (GRCh38, 1-based): chr7:92,022,925, A>C. VCF-style: chr7-92022925-A-C. GRCh37 (hg19) VCF-style: chr7-91652239-A-C.
Other names: c.4064A>C, p.Lys1355Thr (NM_147185.3); short protein forms K1355T.
Identifiers: ClinVar variation 2564462 (VCV002564462.2), dbSNP rs1284895808, ClinGen allele CA368127890.

ClinVar aggregate classification (germline): Uncertain significance (1 of 4 stars; one submission).

Conditions:
Cardiovascular phenotype. Identifiers: MedGen CN230736.

Allele frequency attached by ClinVar (database versions not stated): gnomAD exomes below 0.00001.
gnomAD v4.1: 3 of 1,614,064 alleles (0.00019%); highest among the groups gnomAD compares: Non-Finnish European, 0.00025%; no homozygotes.

Submission:

Ambry Genetics
Classification: Uncertain significance for Cardiovascular phenotype. Last evaluated: 2023-04-09. Review status: criteria provided, single submitter. Criteria: Ambry Variant Classification Scheme 2023. Collection method: clinical testing. Allele origin: germline.
Comment: The p.K1355T variant (also known as c.4064A>C), located in coding exon 14 of the AKAP9 gene, results from an A to C substitution at nucleotide position 4064. The lysine at codon 1355 is replaced by threonine, an amino acid with similar properties. This amino acid position is conserved. In addition, this alteration is predicted to be tolerated by in silico analysis. Since supporting evidence is limited at this time, the clinical significance of this alteration remains unclear.